The following is an entry in ClinVar:

NM_001089.3(ABCA3):c.1742G>A (p.Gly581Asp)

Gene: ABCA3 (ATP binding cassette subfamily A member 3; minus strand). Cytogenetic location: 16p13.3.
Variant type: single nucleotide variant.
Coding change: c.1742G>A on transcript NM_001089.3 (MANE Select); coding-DNA position 1742, G replaced by A.
Protein change: p.Gly581Asp; replaces glycine 581 with aspartic acid.
Molecular consequence: missense variant.
Genome position (GRCh38, 1-based): chr16:2,298,540, C>T on the plus strand (G>A on the coding strand, the complement: ABCA3 is on the minus strand). VCF-style: chr16-2298540-C-T. GRCh37 (hg19) VCF-style: chr16-2348541-C-T.
Other names: short protein forms G581D.
Identifiers: ClinVar variation 4777001 (VCV004777001.1).

ClinVar aggregate classification (germline): Uncertain significance (1 of 4 stars; one submission).

Submission:

Labcorp Genetics (formerly Invitae), Labcorp
Classification: Uncertain significance. Last evaluated: 2025-10-23. Review status: criteria provided, single submitter. Criteria: Invitae Variant Classification Sherloc (09022015). Collection method: clinical testing. Allele origin: germline.
Comment: This sequence change replaces glycine, which is neutral and non-polar, with aspartic acid, which is acidic and polar, at codon 581 of the ABCA3 protein (p.Gly581Asp). This variant is not present in population databases (gnomAD no frequency). This variant has not been reported in the literature in individuals affected with ABCA3-related conditions. An algorithm developed to predict the effect of missense changes on protein structure and function (PolyPhen-2) suggests that this variant is likely to be disruptive. Algorithms developed to predict the effect of sequence changes on RNA splicing suggest that this variant may disrupt the consensus splice site. In summary, the available evidence is currently insufficient to determine the role of this variant in disease. Therefore, it has been classified as a Variant of Uncertain Significance.